The following is an entry in ClinVar:

ClinVar aggregate classification (germline): Uncertain significance (1 of 4 stars; one submission).

Allele frequency attached by ClinVar (database versions not stated): ExAC 0.00001; gnomAD 0.00001; gnomAD exomes 0.00001.
gnomAD v4.1: 17 of 1,599,624 alleles (0.0011%); highest among the groups gnomAD compares: East Asian, 0.0089%; no homozygotes.

Submission:

Labcorp Genetics (formerly Invitae), Labcorp
Classification: Uncertain significance. Last evaluated: 2021-10-21. Review status: criteria provided, single submitter. Criteria: Invitae Variant Classification Sherloc (09022015). Collection method: clinical testing. Allele origin: germline.
Comment: In summary, the available evidence is currently insufficient to determine the role of this variant in disease. Therefore, it has been classified as a Variant of Uncertain Significance. Algorithms developed to predict the effect of missense changes on protein structure and function are either unavailable or do not agree on the potential impact of this missense change (SIFT: "Not Available"; PolyPhen-2: "Benign"; Align-GVGD: "Not Available"). This variant has not been reported in the literature in individuals affected with TCF3-related conditions. This variant is present in population databases (rs777728226, ExAC 0.002%). This sequence change replaces proline with serine at codon 478 of the TCF3 protein (p.Pro478Ser). The proline residue is weakly conserved and there is a moderate physicochemical difference between proline and serine.

NM_003200.5(TCF3):c.1432C>T (p.Pro478Ser)

Gene: TCF3 (transcription factor 3; minus strand). Cytogenetic location: 19p13.3.
Variant type: single nucleotide variant.
Coding change: c.1432C>T on transcript NM_003200.5 (MANE Select); coding-DNA position 1432, C replaced by T.
Protein change: p.Pro478Ser; replaces proline 478 with serine.
Molecular consequence: missense variant.
Genome position (GRCh38, 1-based): chr19:1,619,129, G>A on the plus strand (C>T on the coding strand, the complement: TCF3 is on the minus strand). VCF-style: chr19-1619129-G-A. GRCh37 (hg19) VCF-style: chr19-1619128-G-A.
Other names: c.1432C>T, p.Pro478Ser (NM_001136139.4, NM_001351779.2); c.1429C>T, p.Pro477Ser (NM_001351778.2); short protein forms P477S, P478S.
Identifiers: ClinVar variation 1486160 (VCV001486160.6), dbSNP rs777728226, ClinGen allele CA9049857.